The following is an entry in ClinVar:

ClinVar aggregate classification (germline): Pathogenic (1 of 4 stars; one submission).

Allele frequency attached by ClinVar (database versions not stated): gnomAD 0.00001.
gnomAD v4.1: 1 of 1,613,446 alleles (0.000062%); highest among the groups gnomAD compares: African/African-American, 0.0013%; no homozygotes.

Submission:

Labcorp Genetics (formerly Invitae), Labcorp
Classification: Pathogenic. Last evaluated: 2022-07-02. Review status: criteria provided, single submitter. Criteria: Invitae Variant Classification Sherloc (09022015). Collection method: clinical testing. Allele origin: germline.
Comment: This sequence change creates a premature translational stop signal (p.Tyr1461*) in the PCDH15 gene. While this is not anticipated to result in nonsense mediated decay, it is expected to disrupt the last 495 amino acid(s) of the PCDH15 protein. For these reasons, this variant has been classified as Pathogenic. This variant disrupts a region of the PCDH15 protein in which other variant(s) (p.Gln1576*) have been determined to be pathogenic (PMID: 28281779). This suggests that this is a clinically significant region of the protein, and that variants that disrupt it are likely to be disease-causing. This variant has not been reported in the literature in individuals affected with PCDH15-related conditions. This variant is not present in population databases (gnomAD no frequency).

Literature cited by the submitters: PubMed 28281779.

NM_033056.4(PCDH15):c.4383C>G (p.Tyr1461Ter)

Gene: PCDH15 (protocadherin related 15; minus strand). Cytogenetic location: 10q21.1.
Variant type: single nucleotide variant.
Coding change: c.4383C>G on transcript NM_033056.4 (MANE Plus Clinical); coding-DNA position 4383, C replaced by G.
Protein change: p.Tyr1461Ter; replaces tyrosine 1461 with a stop codon.
Molecular consequence: nonsense. On other transcripts: intron variant (8).
Genome position (GRCh38, 1-based): chr10:53,823,343, G>C on the plus strand (C>G on the coding strand, the complement: PCDH15 is on the minus strand). VCF-style: chr10-53823343-G-C. GRCh37 (hg19) VCF-style: chr10-55583103-G-C.
Other names: c.4404C>G, p.Tyr1468Ter (NM_001142763.2); c.4389C>G, p.Tyr1463Ter (NM_001142764.2); c.4176C>G, p.Tyr1392Ter (NM_001142765.2); c.4373+1793C>G (NM_001142770.3, NM_001142772.2); c.4388+4050C>G (NM_001354411.2); c.4409+1793C>G (NM_001142769.3); c.4374C>G, p.Tyr1458Ter (NM_001142766.2); c.4263C>G, p.Tyr1421Ter (NM_001142767.2); and 6 more; short protein forms Y1439*, Y1441*, Y1458*, Y1461*, Y1468*, Y1392*, Y1438*, Y1463*.
Identifiers: ClinVar variation 1996671 (VCV001996671.4), dbSNP rs1033803342, ClinGen allele CA207221154.
Genomic context (GRCh38, chr10:53,823,343, plus strand): 5'-AACTTGTTGATGTTTCCTGTCTTCTGAGACTGAGTTATTTCCCCTGCTTTGTTGAAAATG[G>C]TAGAGAAGGAAAAGACTTGAAAGAAAAGAAGATAATGAAATGTAAGGAAACAAGTTGTGA-3'